The following is an entry in ClinVar:

NM_020821.3(VPS13C):c.7263A>T (p.Arg2421Ser)

Gene: VPS13C (vacuolar protein sorting 13 homolog C; minus strand). Cytogenetic location: 15q22.2.
Variant type: single nucleotide variant.
Coding change: c.7263A>T on transcript NM_020821.3 (MANE Select); coding-DNA position 7263, A replaced by T.
Protein change: p.Arg2421Ser; replaces arginine 2421 with serine.
Molecular consequence: missense variant.
Genome position (GRCh38, 1-based): chr15:61,920,281, T>A on the plus strand (A>T on the coding strand, the complement: VPS13C is on the minus strand). VCF-style: chr15-61920281-T-A. GRCh37 (hg19) VCF-style: chr15-62212480-T-A.
Other names: c.7263A>T, p.Arg2421Ser (NM_001018088.3); c.7134A>T, p.Arg2378Ser (NM_017684.5, NM_018080.4); short protein forms R2421S, R2378S.
Identifiers: ClinVar variation 1353336 (VCV001353336.6), dbSNP rs141762678, ClinGen allele CA7595308.

ClinVar aggregate classification (germline): Uncertain significance (1 of 4 stars; one submission).

Allele frequency attached by ClinVar (database versions not stated): ExAC 0.00012; 1000 Genomes Project 30x 0.00031; gnomAD 0.00037 and 0.00039; 1000 Genomes Project 0.00040; ESP Exome Variant Server 0.00054.
gnomAD v4.1: 120 of 1,612,994 alleles (0.0074%); highest among the groups gnomAD compares: African/African-American, 0.15%; 2 homozygotes.

Submission:

Labcorp Genetics (formerly Invitae), Labcorp
Classification: Uncertain significance. Last evaluated: 2025-10-10. Review status: criteria provided, single submitter. Criteria: Invitae Variant Classification Sherloc (09022015). Collection method: clinical testing. Allele origin: germline.
Comment: This sequence change replaces arginine, which is basic and polar, with serine, which is neutral and polar, at codon 2421 of the VPS13C protein (p.Arg2421Ser). This variant is present in population databases (rs141762678, gnomAD 0.1%). This variant has not been reported in the literature in individuals affected with VPS13C-related conditions. ClinVar contains an entry for this variant (Variation ID: 1353336). Invitae Evidence Modeling of protein sequence and biophysical properties (such as structural, functional, and spatial information, amino acid conservation, physicochemical variation, residue mobility, and thermodynamic stability) indicates that this missense variant is not expected to disrupt VPS13C protein function with a negative predictive value of 80%. In summary, the available evidence is currently insufficient to determine the role of this variant in disease. Therefore, it has been classified as a Variant of Uncertain Significance.